The following is an entry in ClinVar:

NM_012452.3(TNFRSF13B):c.35G>A (p.Arg12Gln)

Gene: TNFRSF13B (TNF receptor superfamily member 13B; minus strand). Cytogenetic location: 17p11.2.
Variant type: single nucleotide variant.
Coding change: c.35G>A on transcript NM_012452.3 (MANE Select); coding-DNA position 35, G replaced by A.
Protein change: p.Arg12Gln; replaces arginine 12 with glutamine.
Molecular consequence: missense variant.
Genome position (GRCh38, 1-based): chr17:16,972,041, C>T on the plus strand (G>A on the coding strand, the complement: TNFRSF13B is on the minus strand). VCF-style: chr17-16972041-C-T. GRCh37 (hg19) VCF-style: chr17-16875355-C-T.
Other names: c.35G>A (NM_012452.2); short protein forms R12Q.
Identifiers: ClinVar variation 1375902 (VCV001375902.6), dbSNP rs754315707, ClinGen allele CA8414163.

ClinVar aggregate classification (germline): Uncertain significance. Review status: criteria provided, multiple submitters, no conflicts (2 of 4 stars). 2 submissions from 2 submitters: Uncertain significance (2). Last evaluated 2025-09-25.

Conditions:
Inborn genetic diseases. Identifiers: MedGen C0950123, MeSH D030342.
Immunodeficiency, common variable, 2 (CVID2). Also called: HYPOGAMMAGLOBULINEMIA DUE TO TACI DEFICIENCY; ANTIBODY DEFICIENCY DUE TO TACI DEFECT. Identifiers: Orphanet 1572, MedGen C3150354, MONDO:0009413, OMIM 240500.

Allele frequency attached by ClinVar (database versions not stated): gnomAD 0.00004; gnomAD exomes 0.00004; TOPMed 0.00004; ExAC 0.00006.
gnomAD v4.1: 43 of 1,613,972 alleles (0.0027%); highest among the groups gnomAD compares: South Asian, 0.024%; 1 homozygote.

Submissions (2):

Labcorp Genetics (formerly Invitae), Labcorp
Classification: Uncertain significance for Immunodeficiency, common variable, 2. Last evaluated: 2025-09-25. Review status: criteria provided, single submitter. Criteria: Invitae Variant Classification Sherloc (09022015). Collection method: clinical testing. Allele origin: germline.
Comment: This sequence change replaces arginine, which is basic and polar, with glutamine, which is neutral and polar, at codon 12 of the TNFRSF13B protein (p.Arg12Gln). This variant is present in population databases (rs754315707, gnomAD 0.02%). This variant has not been reported in the literature in individuals affected with TNFRSF13B-related conditions. ClinVar contains an entry for this variant (Variation ID: 1375902). Invitae Evidence Modeling of protein sequence and biophysical properties (such as structural, functional, and spatial information, amino acid conservation, physicochemical variation, residue mobility, and thermodynamic stability) indicates that this missense variant is not expected to disrupt TNFRSF13B protein function with a negative predictive value of 95%. In summary, the available evidence is currently insufficient to determine the role of this variant in disease. Therefore, it has been classified as a Variant of Uncertain Significance.

Ambry Genetics
Classification: Uncertain significance for Inborn genetic diseases. Last evaluated: 2023-12-28. Review status: criteria provided, single submitter. Criteria: Ambry Variant Classification Scheme 2023. Collection method: clinical testing. Allele origin: germline.